The following is an entry in ClinVar:

ClinVar aggregate classification (germline): Conflicting classifications of pathogenicity. Review status: criteria provided, conflicting classifications (1 of 4 stars). 2 submissions from 2 submitters: Uncertain significance (1); Likely benign (1). Last evaluated 2026-01-12.

Conditions:
Singleton-Merten syndrome 1 (SGMRT1). Also called: Widened medullary cavities of bone, aortic calcification, abnormal dentition, and muscular weakness; Syndrome of widened medullary cavities of the metacarpals and phalanges, aortic calcification and abnormal dentition. Identifiers: Orphanet 85191, MedGen C4225427, MONDO:0024535, OMIM 182250.
Aicardi-Goutieres syndrome 7 (AGS7). Identifiers: Orphanet 51, MedGen C3888244, MONDO:0014367, OMIM 615846.

Allele frequency attached by ClinVar (database versions not stated): gnomAD 0.00002; TOPMed 0.00002.
gnomAD v4.1: 5 of 1,546,888 alleles (0.00032%); highest among the groups gnomAD compares: African/African-American, 0.0055%; no homozygotes.

Submissions (2):

Women's Health and Genetics/Laboratory Corporation of America, LabCorp
Classification: Likely benign. Last evaluated: 2026-01-12. Review status: criteria provided, single submitter. Criteria: LabCorp Variant Classification Summary - May 2015. Collection method: clinical testing. Allele origin: germline.

Labcorp Genetics (formerly Invitae), Labcorp
Classification: Uncertain significance for Aicardi-Goutieres syndrome 7; Singleton-Merten syndrome 1. Last evaluated: 2025-08-24. Review status: criteria provided, single submitter. Criteria: Invitae Variant Classification Sherloc (09022015). Collection method: clinical testing. Allele origin: germline.
Comment: This sequence change falls in intron 11 of the IFIH1 gene. It does not directly change the encoded amino acid sequence of the IFIH1 protein. This variant is present in population databases (rs758206522, gnomAD 0.009%). This variant has not been reported in the literature in individuals affected with IFIH1-related conditions. ClinVar contains an entry for this variant (Variation ID: 1404014). Algorithms developed to predict the effect of sequence changes on RNA splicing suggest that this variant may disrupt the consensus splice site. In summary, the available evidence is currently insufficient to determine the role of this variant in disease. Therefore, it has been classified as a Variant of Uncertain Significance.

NM_022168.4(IFIH1):c.2305-13A>G

Gene: IFIH1 (interferon induced with helicase C domain 1; minus strand). Cytogenetic location: 2q24.2.
Variant type: single nucleotide variant.
Coding change: c.2305-13A>G on transcript NM_022168.4 (MANE Select); 13 bases into the intron before coding-DNA position 2305, A replaced by G.
Molecular consequence: intron variant.
Genome position (GRCh38, 1-based): chr2:162,273,957, T>C on the plus strand (A>G on the coding strand, the complement: IFIH1 is on the minus strand). VCF-style: chr2-162273957-T-C. GRCh37 (hg19) VCF-style: chr2-163130467-T-C.
Identifiers: ClinVar variation 1404014 (VCV001404014.7), dbSNP rs758206522, ClinGen allele CA1934227.